The following is an entry in ClinVar:

ClinVar aggregate classification (germline): Conflicting classifications of pathogenicity. Review status: criteria provided, conflicting classifications (1 of 4 stars). 2 submissions from 2 submitters: Likely pathogenic (1); Uncertain significance (1). Last evaluated 2025-09-04.

Conditions:
Mitochondrial trifunctional protein deficiency 1 (MTPD1). Identifiers: MedGen CN376812, MONDO:0958181, OMIM 609015.

Allele frequency attached by ClinVar (database versions not stated): TOPMed below 0.00001; ExAC 0.00001; gnomAD exomes 0.00001.
gnomAD v4.1: 8 of 1,610,884 alleles (0.0005%); highest among the groups gnomAD compares: Non-Finnish European, 0.00068%; no homozygotes.

Submissions (2):

Women's Health and Genetics/Laboratory Corporation of America, LabCorp
Classification: Uncertain significance. Last evaluated: 2025-09-04. Review status: criteria provided, single submitter. Criteria: LabCorp Variant Classification Summary - May 2015. Collection method: clinical testing. Allele origin: germline.
Comment: Variant summary: HADHB c.184A>G (p.Thr62Ala) results in a non-conservative amino acid change in the encoded protein sequence. Algorithms developed to predict the effect of missense changes on protein structure and function are either unavailable or do not agree on the potential impact of this missense change. The variant allele was found at a frequency of 8e-06 in 251490 control chromosomes. c.184A>G has been observed in the presumed or confirmed compound heterozygous state in at least 2 individual(s) affected with clinical features of Mitochondrial Trifunctional Protein Deficiency (example, Lu_2018, Terrone_2014). These data indicate that the variant may be associated with disease. To our knowledge, no experimental evidence demonstrating an impact on protein function has been reported. The following publications have been ascertained in the context of this evaluation (PMID: 34712195, 29956646, 22810696, 24379101, 33744096). ClinVar contains an entry for this variant (Variation ID: 3241735). Based on the evidence outlined above, the variant was classified as VUS-possibly pathogenic.

Baylor Genetics
Classification: Likely pathogenic for Mitochondrial trifunctional protein deficiency 1. Last evaluated: 2023-11-29. Review status: criteria provided, single submitter. Criteria: ACMG Guidelines, 2015. Collection method: clinical testing. Allele origin: unknown.

Literature cited by the submitters: PubMed 29956646 (cited by Women's Health and Genetics/Laboratory Corporation of America, LabCorp); PubMed 34712195 (cited by Women's Health and Genetics/Laboratory Corporation of America, LabCorp); PubMed 33744096 (cited by Women's Health and Genetics/Laboratory Corporation of America, LabCorp); PubMed 24379101 (cited by Women's Health and Genetics/Laboratory Corporation of America, LabCorp).

NM_000183.3(HADHB):c.184A>G (p.Thr62Ala)

Gene: HADHB (hydroxyacyl-CoA dehydrogenase trifunctional multienzyme complex subunit beta; plus strand). Cytogenetic location: 2p23.3.
Variant type: single nucleotide variant.
Coding change: c.184A>G on transcript NM_000183.3 (MANE Select); coding-DNA position 184, A replaced by G.
Protein change: p.Thr62Ala; replaces threonine 62 with alanine.
Molecular consequence: missense variant.
Genome position (GRCh38, 1-based): chr2:26,263,454, A>G. VCF-style: chr2-26263454-A-G. GRCh37 (hg19) VCF-style: chr2-26486322-A-G.
Other names: c.184A>G, p.Thr62Ala (NM_001281512.2); c.118A>G, p.Thr40Ala (NM_001281513.2); short protein forms T40A, T62A.
Identifiers: ClinVar variation 3241735 (VCV003241735.2), dbSNP rs768738452.
Genomic context (GRCh38, chr2:26,263,454, plus strand): 5'-ACGAAGAAGACGTTAGCCAAACCCAATATAAGGAATGTTGTGGTGGTGGATGGTGTTCGC[A>G]CTCCATTTTTGCTGTCTGGCACTTCGTAAGTATGACATGATCATATTATTTTTTTCCTTC-3'
Protein context (NP_000174.1, residues 52-72): RNVVVVDGVR[Thr62Ala]PFLLSGTSYK